The following is an entry in ClinVar:

ClinVar aggregate classification (germline): Uncertain significance (1 of 4 stars; one submission).

Allele frequency attached by ClinVar (database versions not stated): gnomAD exomes below 0.00001.

Submission:

Labcorp Genetics (formerly Invitae), Labcorp
Classification: Uncertain significance. Last evaluated: 2022-11-06. Review status: criteria provided, single submitter. Criteria: Invitae Variant Classification Sherloc (09022015). Collection method: clinical testing. Allele origin: germline.
Comment: This sequence change replaces arginine, which is basic and polar, with cysteine, which is neutral and slightly polar, at codon 86 of the COL4A2 protein (p.Arg86Cys). In summary, the available evidence is currently insufficient to determine the role of this variant in disease. Therefore, it has been classified as a Variant of Uncertain Significance. Advanced modeling of protein sequence and biophysical properties (such as structural, functional, and spatial information, amino acid conservation, physicochemical variation, residue mobility, and thermodynamic stability) performed at Invitae indicates that this missense variant is not expected to disrupt COL4A2 protein function. This variant has not been reported in the literature in individuals affected with COL4A2-related conditions. This variant is not present in population databases (gnomAD no frequency).

NM_001846.4(COL4A2):c.256C>T (p.Arg86Cys)

Gene: COL4A2 (collagen type IV alpha 2 chain; plus strand). Cytogenetic location: 13q34.
Variant type: single nucleotide variant.
Coding change: c.256C>T on transcript NM_001846.4 (MANE Select); coding-DNA position 256, C replaced by T.
Protein change: p.Arg86Cys; replaces arginine 86 with cysteine.
Molecular consequence: missense variant.
Genome position (GRCh38, 1-based): chr13:110,424,809, C>T. VCF-style: chr13-110424809-C-T. GRCh37 (hg19) VCF-style: chr13-111077156-C-T.
Other names: short protein forms R86C.
Identifiers: ClinVar variation 1958429 (VCV001958429.5), dbSNP rs1880404594, ClinGen allele CA388728018.
Genomic context (GRCh38, chr13:110,424,809, plus strand): 5'-GTGGGCCCCCAGGGGTACAATGGGCCACCAGGATTACAAGGATTCCCGGGACTGCAGGGA[C>T]GTAAAGGAGACAAGGGTGAAAGGGGAGCCCCCGGAGTAACGGGACCCAAGGGCGACGTGG-3'
Protein context (NP_001837.2, residues 76-96): GLQGFPGLQG[Arg86Cys]KGDKGERGAP